The following is an entry in ClinVar:

ClinVar aggregate classification (germline): Likely benign (1 of 4 stars; one submission).

gnomAD v4.1: 601 of 1,614,046 alleles (0.037%); highest among the groups gnomAD compares: Non-Finnish European, 0.049%; 1 homozygote.

Submission:

CeGaT Center for Human Genetics Tuebingen
Classification: Likely benign. Last evaluated: 2025-09-01. Review status: criteria provided, single submitter. Criteria: CeGaT Center For Human Genetics Tuebingen Variant Classification Criteria Version 2. Collection method: clinical testing. Allele origin: germline. Affected: yes. Observed: 1 variant allele.
Comment: TAF8: BP4, BP7

NM_138572.3(TAF8):c.525G>A (p.Leu175=)

Gene: TAF8 (TATA-box binding protein associated factor 8; plus strand). Cytogenetic location: 6p21.1.
Variant type: single nucleotide variant.
Coding change: c.525G>A on transcript NM_138572.3 (MANE Select); coding-DNA position 525, G replaced by A.
Protein change: p.Leu175=; no amino-acid change (leucine 175 retained).
Molecular consequence: synonymous variant. On other transcripts: intron variant (3).
Genome position (GRCh38, 1-based): chr6:42,066,347, G>A. VCF-style: chr6-42066347-G-A. GRCh37 (hg19) VCF-style: chr6-42034085-G-A.
Other names: c.525G>A, p.Leu175= (NM_001410906.1, NM_001410907.1, NM_001438580.1); c.489+8834G>A (NM_001438582.1, NM_001438057.1, NM_001438581.1).
Identifiers: ClinVar variation 4280921 (VCV004280921.7).